The following is an entry in ClinVar:

NM_018834.6(MATR3):c.211A>G (p.Ser71Gly)

Gene: MATR3 (matrin 3; plus strand). Cytogenetic location: 5q31.2.
Variant type: single nucleotide variant.
Coding change: c.211A>G on transcript NM_018834.6 (MANE Select); coding-DNA position 211, A replaced by G.
Protein change: p.Ser71Gly; replaces serine 71 with glycine.
Molecular consequence: missense variant. On other transcripts: intron variant (11).
Genome position (GRCh38, 1-based): chr5:139,307,626, A>G. VCF-style: chr5-139307626-A-G. GRCh37 (hg19) VCF-style: chr5-138643315-A-G.
Other names: c.211A>G, p.Ser71Gly (NM_001194954.2, NM_001194955.2, NM_001400441.1 and 16 more transcripts); c.52-7049A>G (NM_001400459.1); c.-102-7049A>G (NM_001400463.1, NM_001400460.1, NM_001282278.2 and 3 more transcripts); c.-40-8071A>G (NM_001400462.1, NM_001400467.1); c.13-7049A>G (NM_001400461.1); c.49-7049A>G (NM_001194956.2); short protein forms S71G.
Identifiers: ClinVar variation 4777870 (VCV004777870.1).

ClinVar aggregate classification (germline): Uncertain significance (1 of 4 stars; one submission).

Conditions:
Amyotrophic lateral sclerosis type 21. Also called: MYOPATHY, DISTAL, 2; VOCAL CORD AND PHARYNGEAL DYSFUNCTION WITH DISTAL MYOPATHY. Identifiers: Orphanet 600, Orphanet 803, MedGen C3807521, MONDO:0011632, OMIM 606070.

gnomAD v4.1: 3 of 1,614,194 alleles (0.00019%); highest among the groups gnomAD compares: Admixed American, 0.005%; no homozygotes.

Submission:

Labcorp Genetics (formerly Invitae), Labcorp
Classification: Uncertain significance for Amyotrophic lateral sclerosis type 21. Last evaluated: 2025-06-09. Review status: criteria provided, single submitter. Criteria: Invitae Variant Classification Sherloc (09022015). Collection method: clinical testing. Allele origin: germline.
Comment: This sequence change replaces serine, which is neutral and polar, with glycine, which is neutral and non-polar, at codon 71 of the MATR3 protein (p.Ser71Gly). This variant is present in population databases (rs768446810, gnomAD 0.01%). This variant has not been reported in the literature in individuals affected with MATR3-related conditions. Invitae Evidence Modeling of protein sequence and biophysical properties (such as structural, functional, and spatial information, amino acid conservation, physicochemical variation, residue mobility, and thermodynamic stability) indicates that this missense variant is not expected to disrupt MATR3 protein function with a negative predictive value of 80%. In summary, the available evidence is currently insufficient to determine the role of this variant in disease. Therefore, it has been classified as a Variant of Uncertain Significance.